The following is an entry in ClinVar:

ClinVar aggregate classification (germline): Uncertain significance. Review status: criteria provided, single submitter (1 of 4 stars). 2 submissions from 2 submitters: Uncertain significance (1). 1 of the submissions does not count toward it. Last evaluated 2023-08-17.

Conditions:
Retinitis pigmentosa 28 (RP28). Identifiers: Orphanet 791, MedGen C1419614, MONDO:0011630, OMIM 606068.

Submissions (2):

Labcorp Genetics (formerly Invitae), Labcorp
Classification: Uncertain significance. Last evaluated: 2023-08-17. Review status: criteria provided, single submitter. Criteria: Invitae Variant Classification Sherloc (09022015). Collection method: clinical testing. Allele origin: germline.
Comment: This variant has not been reported in the literature in individuals affected with FAM161A-related conditions. This variant is not present in population databases (gnomAD no frequency). This sequence change replaces arginine, which is basic and polar, with glycine, which is neutral and non-polar, at codon 562 of the FAM161A protein (p.Arg562Gly). In summary, the available evidence is currently insufficient to determine the role of this variant in disease. Therefore, it has been classified as a Variant of Uncertain Significance. An algorithm developed to predict the effect of missense changes on protein structure and function (PolyPhen-2) suggests that this variant is likely to be disruptive.

Natera, Inc.
Classification: Uncertain significance for Retinitis pigmentosa type 28. Last evaluated: 2025-01-21. Review status: no assertion criteria provided. Collection method: clinical testing. Allele origin: germline. Not counted in ClinVar's aggregate classification.

NM_001201543.2(FAM161A):c.1684C>G (p.Arg562Gly)

Gene: FAM161A (FAM161 centrosomal protein A; minus strand). Cytogenetic location: 2p15.
Variant type: single nucleotide variant.
Coding change: c.1684C>G on transcript NM_001201543.2 (MANE Select); coding-DNA position 1684, C replaced by G.
Protein change: p.Arg562Gly; replaces arginine 562 with glycine.
Molecular consequence: missense variant. On other transcripts: intron variant (1).
Genome position (GRCh38, 1-based): chr2:61,838,605, G>C on the plus strand (C>G on the coding strand, the complement: FAM161A is on the minus strand). VCF-style: chr2-61838605-G-C. GRCh37 (hg19) VCF-style: chr2-62065740-G-C.
Other names: c.1583+816C>G (NM_032180.3); c.1684C>G (NM_001201543.1); short protein forms R562G.
Identifiers: ClinVar variation 2791089 (VCV002791089.4), dbSNP rs758751186, ClinGen allele CA346985996.